The following is an entry in ClinVar:

ClinVar aggregate classification (germline): Likely pathogenic (1 of 4 stars; one submission).

Conditions:
Ehlers-Danlos syndrome, spondylodysplastic type, 3. Also called: Ehlers-Danlos syndrome, spondylocheirodysplastic type. Identifiers: Orphanet 157965, MedGen C2676510, MONDO:0012873, OMIM 612350.

Submission:

Institute of Human Genetics, University of Leipzig Medical Center
Classification: Likely pathogenic for Ehlers-Danlos syndrome, spondylodysplastic type, 3. Last evaluated: 2025-12-03. Review status: criteria provided, single submitter. Criteria: ACMG Guidelines, 2015. Collection method: clinical testing. Allele origin: unknown. Inheritance: Autosomal recessive inheritance. Affected: yes.
Comment: Criteria applied: PM2,PM3_SUP,PP4_STR; PYD to DPD Ratio in urin reduced

NM_001128225.3(SLC39A13):c.333C>G (p.Ser111Arg)

Gene: SLC39A13 (solute carrier family 39 member 13; plus strand). Cytogenetic location: 11p11.2.
Variant type: single nucleotide variant.
Coding change: c.333C>G on transcript NM_001128225.3 (MANE Select); coding-DNA position 333, C replaced by G.
Protein change: p.Ser111Arg; replaces serine 111 with arginine.
Molecular consequence: missense variant. On other transcripts: non-coding transcript variant (1).
Genome position (GRCh38, 1-based): chr11:47,411,957, C>G. VCF-style: chr11-47411957-C-G. GRCh37 (hg19) VCF-style: chr11-47433508-C-G.
Other names: c.333C>G, p.Ser111Arg (NM_001330245.2, NM_001441271.1, NM_001441272.1 and 5 more transcripts); short protein forms S111R.
Identifiers: ClinVar variation 4533311 (VCV004533311.2).